The following is an entry in ClinVar:

NM_001035.3(RYR2):c.13901T>A (p.Val4634Glu)

Gene: RYR2 (ryanodine receptor 2; plus strand). Cytogenetic location: 1q43.
Variant type: single nucleotide variant.
Coding change: c.13901T>A on transcript NM_001035.3 (MANE Select); coding-DNA position 13901, T replaced by A.
Protein change: p.Val4634Glu; replaces valine 4634 with glutamic acid.
Molecular consequence: missense variant.
Genome position (GRCh38, 1-based): chr1:237,793,985, T>A. VCF-style: chr1-237793985-T-A. GRCh37 (hg19) VCF-style: chr1-237957285-T-A.
Other names: short protein forms V4634E.
Identifiers: ClinVar variation 2045853 (VCV002045853.4), dbSNP rs1384324063, ClinGen allele CA345418403.

ClinVar aggregate classification (germline): Uncertain significance (1 of 4 stars; one submission).

Conditions:
Catecholaminergic polymorphic ventricular tachycardia 1. Also called: VENTRICULAR TACHYCARDIA, CATECHOLAMINERGIC POLYMORPHIC, 1, WITH OR WITHOUT ATRIAL DYSFUNCTION AND/OR DILATED CARDIOMYOPATHY; RYR2-Related Catecholaminergic Polymorphic Ventricular Tachycardia; VENTRICULAR TACHYCARDIA, STRESS-INDUCED POLYMORPHIC 1. Identifiers: Orphanet 3286, MedGen C1631597, MONDO:0011484, OMIM 604772.

Submission:

Labcorp Genetics (formerly Invitae), Labcorp
Classification: Uncertain significance for Catecholaminergic polymorphic ventricular tachycardia 1. Last evaluated: 2021-12-18. Review status: criteria provided, single submitter. Criteria: Invitae Variant Classification Sherloc (09022015). Collection method: clinical testing. Allele origin: germline.
Comment: This variant is not present in population databases (gnomAD no frequency). This sequence change replaces valine, which is neutral and non-polar, with glutamic acid, which is acidic and polar, at codon 4634 of the RYR2 protein (p.Val4634Glu). This variant has not been reported in the literature in individuals affected with RYR2-related conditions. Advanced modeling of protein sequence and biophysical properties (such as structural, functional, and spatial information, amino acid conservation, physicochemical variation, residue mobility, and thermodynamic stability) performed at Invitae indicates that this missense variant is expected to disrupt RYR2 protein function. In summary, the available evidence is currently insufficient to determine the role of this variant in disease. Therefore, it has been classified as a Variant of Uncertain Significance.